The following is an entry in ClinVar:

ClinVar aggregate classification (germline): Uncertain significance (1 of 4 stars; one submission).

Conditions:
Hereditary cancer-predisposing syndrome. Also called: Neoplastic Syndromes, Hereditary; Hereditary neoplastic syndrome; Tumor predisposition; Hereditary Cancer Syndrome. Identifiers: Orphanet 140162, MedGen C0027672, MeSH D009386, MONDO:0015356.

Submission:

Ambry Genetics
Classification: Uncertain significance for Hereditary cancer-predisposing syndrome. Last evaluated: 2026-02-20. Review status: criteria provided, single submitter. Criteria: Ambry Variant Classification Scheme 2023. Collection method: clinical testing. Allele origin: germline.
Comment: The p.K139R variant (also known as c.416A>G), located in coding exon 1 of the ALK gene, results from an A to G substitution at nucleotide position 416. The lysine at codon 139 is replaced by arginine, an amino acid with highly similar properties. This amino acid position is well conserved in available vertebrate species. In addition, the in silico prediction for this alteration is inconclusive. Based on the available evidence, the clinical significance of this variant remains unclear.

NM_004304.5(ALK):c.416A>G (p.Lys139Arg)

Gene: ALK (ALK receptor tyrosine kinase; minus strand). Cytogenetic location: 2p23.1.
Variant type: single nucleotide variant.
Coding change: c.416A>G on transcript NM_004304.5 (MANE Select); coding-DNA position 416, A replaced by G.
Protein change: p.Lys139Arg; replaces lysine 139 with arginine.
Molecular consequence: missense variant.
Genome position (GRCh38, 1-based): chr2:29,920,244, T>C on the plus strand (A>G on the coding strand, the complement: ALK is on the minus strand). VCF-style: chr2-29920244-T-C. GRCh37 (hg19) VCF-style: chr2-30143110-T-C.
Other names: short protein forms K139R.
Identifiers: ClinVar variation 4824823 (VCV004824823.1).